The following is an entry in ClinVar:

ClinVar aggregate classification (germline): Uncertain significance (1 of 4 stars; one submission).

Conditions:
Nemaline myopathy 2 (NEM2). Also called: Nemaline myopathy 2, autosomal recessive. Identifiers: MedGen C1850569, MONDO:0009725, OMIM 256030.

Allele frequency attached by ClinVar (database versions not stated): TOPMed 0.00001.
gnomAD v4.1: 1 of 1,613,828 alleles (0.000062%); highest among the groups gnomAD compares: African/African-American, 0.0013%; no homozygotes.

Submission:

Labcorp Genetics (formerly Invitae), Labcorp
Classification: Uncertain significance for Nemaline myopathy 2. Last evaluated: 2023-07-07. Review status: criteria provided, single submitter. Criteria: Invitae Variant Classification Sherloc (09022015). Collection method: clinical testing. Allele origin: germline.
Comment: In summary, the available evidence is currently insufficient to determine the role of this variant in disease. Therefore, it has been classified as a Variant of Uncertain Significance. Experimental studies and prediction algorithms are not available or were not evaluated, and the functional significance of this variant is currently unknown. ClinVar contains an entry for this variant (Variation ID: 645997). This variant has not been reported in the literature in individuals affected with NEB-related conditions. This variant is not present in population databases (gnomAD no frequency). This sequence change replaces alanine, which is neutral and non-polar, with serine, which is neutral and polar, at codon 3411 of the NEB protein (p.Ala3411Ser).

NM_001164508.2(NEB):c.10231G>T (p.Ala3411Ser)

Gene: NEB (nebulin; minus strand). Cytogenetic location: 2q23.3.
Variant type: single nucleotide variant.
Coding change: c.10231G>T on transcript NM_001164508.2 (MANE Select); coding-DNA position 10231, G replaced by T.
Protein change: p.Ala3411Ser; replaces alanine 3411 with serine.
Molecular consequence: missense variant.
Genome position (GRCh38, 1-based): chr2:151,627,118, C>A on the plus strand (G>T on the coding strand, the complement: NEB is on the minus strand). VCF-style: chr2-151627118-C-A. GRCh37 (hg19) VCF-style: chr2-152483632-C-A.
Other names: c.10231G>T, p.Ala3411Ser (NM_001164507.2, NM_001271208.2); c.9502G>T, p.Ala3168Ser (NM_004543.5); short protein forms A3411S, A3168S.
Identifiers: ClinVar variation 645997 (VCV000645997.10), dbSNP rs727504034, ClinGen allele CA348792576.